The following is an entry in ClinVar:

NM_002473.6(MYH9):c.1913C>T (p.Thr638Met)

Gene: MYH9 (myosin heavy chain 9; minus strand). Cytogenetic location: 22q12.3.
Variant type: single nucleotide variant.
Coding change: c.1913C>T on transcript NM_002473.6 (MANE Select); coding-DNA position 1913, C replaced by T.
Protein change: p.Thr638Met; replaces threonine 638 with methionine.
Molecular consequence: missense variant.
Genome position (GRCh38, 1-based): chr22:36,306,538, G>A on the plus strand (C>T on the coding strand, the complement: MYH9 is on the minus strand). VCF-style: chr22-36306538-G-A. GRCh37 (hg19) VCF-style: chr22-36702584-G-A.
Other names: short protein forms T638M.
Identifiers: ClinVar variation 2815312 (VCV002815312.3), dbSNP rs770339677, ClinGen allele CA10210140.

ClinVar aggregate classification (germline): Uncertain significance (1 of 4 stars; one submission).

Allele frequency attached by ClinVar (database versions not stated): ExAC 0.00001.
gnomAD v4.1: 3 of 1,614,066 alleles (0.00019%); highest among the groups gnomAD compares: East Asian, 0.0022%; no homozygotes.

Submission:

Labcorp Genetics (formerly Invitae), Labcorp
Classification: Uncertain significance. Last evaluated: 2022-11-19. Review status: criteria provided, single submitter. Criteria: Invitae Variant Classification Sherloc (09022015). Collection method: clinical testing. Allele origin: germline.
Comment: Advanced modeling of protein sequence and biophysical properties (such as structural, functional, and spatial information, amino acid conservation, physicochemical variation, residue mobility, and thermodynamic stability) performed at Invitae indicates that this missense variant is not expected to disrupt MYH9 protein function. In summary, the available evidence is currently insufficient to determine the role of this variant in disease. Therefore, it has been classified as a Variant of Uncertain Significance. This variant has not been reported in the literature in individuals affected with MYH9-related conditions. This variant is present in population databases (rs770339677, gnomAD 0.006%). This sequence change replaces threonine, which is neutral and polar, with methionine, which is neutral and non-polar, at codon 638 of the MYH9 protein (p.Thr638Met).